The following is an entry in ClinVar:

ClinVar aggregate classification (germline): Uncertain significance. Review status: criteria provided, multiple submitters, no conflicts (2 of 4 stars). 2 submissions from 2 submitters: Uncertain significance (2). Last evaluated 2025-09-10.

Conditions:
Hereditary cancer-predisposing syndrome. Also called: Hereditary Cancer Syndrome; Neoplastic Syndromes, Hereditary; Hereditary neoplastic syndrome; Tumor predisposition. Identifiers: Orphanet 140162, MedGen C0027672, MeSH D009386, MONDO:0015356.
Gorlin syndrome. Also called: Nevoid Basal Cell Carcinoma Syndrome; Basal cell nevus syndrome. Identifiers: Orphanet 377, MedGen C0004779, MONDO:0007187.

gnomAD v4.1: 9 of 1,614,172 alleles (0.00056%); highest among the groups gnomAD compares: East Asian, 0.0022%; no homozygotes.

Submissions (2):

Ambry Genetics
Classification: Uncertain significance for Hereditary cancer-predisposing syndrome. Last evaluated: 2025-09-10. Review status: criteria provided, single submitter. Criteria: Ambry Variant Classification Scheme 2023. Collection method: clinical testing. Allele origin: germline.
Comment: The p.P742S variant (also known as c.2224C>T), located in coding exon 14 of the PTCH1 gene, results from a C to T substitution at nucleotide position 2224. The proline at codon 742 is replaced by serine, an amino acid with similar properties. This amino acid position is highly conserved in available vertebrate species. In addition, this alteration is predicted to be deleterious by in silico analysis. Since supporting evidence is limited at this time, the clinical significance of this alteration remains unclear.

Labcorp Genetics (formerly Invitae), Labcorp
Classification: Uncertain significance for Gorlin syndrome. Last evaluated: 2025-06-05. Review status: criteria provided, single submitter. Criteria: Invitae Variant Classification Sherloc (09022015). Collection method: clinical testing. Allele origin: germline.
Comment: This sequence change replaces proline, which is neutral and non-polar, with serine, which is neutral and polar, at codon 742 of the PTCH1 protein (p.Pro742Ser). This variant is not present in population databases (gnomAD no frequency). This variant has not been reported in the literature in individuals affected with PTCH1-related conditions. ClinVar contains an entry for this variant (Variation ID: 820923). Invitae Evidence Modeling of protein sequence and biophysical properties (such as structural, functional, and spatial information, amino acid conservation, physicochemical variation, residue mobility, and thermodynamic stability) has been performed for this missense variant. However, the output from this modeling did not meet the statistical confidence thresholds required to predict the impact of this variant on PTCH1 protein function. In summary, the available evidence is currently insufficient to determine the role of this variant in disease. Therefore, it has been classified as a Variant of Uncertain Significance.

NM_000264.5(PTCH1):c.2224C>T (p.Pro742Ser)

Genes: PTCH1 (patched 1; minus strand), LOC100507346 (uncharacterized LOC100507346; plus strand). Cytogenetic location: 9q22.32.
Variant type: single nucleotide variant.
Coding change: c.2224C>T on transcript NM_000264.5 (MANE Select); coding-DNA position 2224, C replaced by T.
Protein change: p.Pro742Ser; replaces proline 742 with serine.
Molecular consequence: missense variant. On other transcripts: non-coding transcript variant (2).
Genome position (GRCh38, 1-based): chr9:95,468,777, G>A on the plus strand (C>T on the coding strand, the complement: PTCH1 is on the minus strand). VCF-style: chr9-95468777-G-A. GRCh37 (hg19) VCF-style: chr9-98231059-G-A.
Other names: c.2026C>T, p.Pro676Ser (NM_001083602.3); c.2221C>T, p.Pro741Ser (NM_001083603.3); c.1771C>T, p.Pro591Ser (NM_001083604.3, NM_001083605.3, NM_001083606.3 and 1 more transcripts); c.2068C>T, p.Pro690Ser (NM_001354918.2); short protein forms P676S, P690S, P742S, P591S, P741S.
Identifiers: ClinVar variation 820923 (VCV000820923.6), dbSNP rs1588573727, ClinGen allele CA374115255.